The following is an entry in ClinVar:

ClinVar aggregate classification (germline): Likely benign (1 of 4 stars; one submission).

Submission:

CeGaT Center for Human Genetics Tuebingen
Classification: Likely benign. Last evaluated: 2022-03-01. Review status: criteria provided, single submitter. Criteria: CeGaT Center For Human Genetics Tuebingen Variant Classification Criteria Version 2. Collection method: clinical testing. Allele origin: germline. Affected: yes. Observed: 1 variant allele.
Comment: CFAP46: BP4, BP7

NM_001200049.3(CFAP46):c.3249G>A (p.Gln1083=)

Genes: CFAP46 (cilia and flagella associated protein 46; minus strand), LOC126861103 (MED14-independent group 3 enhancer GRCh37_chr10:134705471-134706670; plus strand). Cytogenetic location: 10q26.3.
Variant type: single nucleotide variant.
Coding change: c.3249G>A on transcript NM_001200049.3 (MANE Select); coding-DNA position 3249, G replaced by A.
Protein change: p.Gln1083=; no amino-acid change (glutamine 1083 retained).
Molecular consequence: synonymous variant.
Genome position (GRCh38, 1-based): chr10:132,892,388, C>T on the plus strand (G>A on the coding strand, the complement: CFAP46 is on the minus strand). VCF-style: chr10-132892388-C-T. GRCh37 (hg19) VCF-style: chr10-134705892-C-T.
Identifiers: ClinVar variation 2640991 (VCV002640991.24), dbSNP rs2539836583, ClinGen allele CA471854124.